The following is an entry in ClinVar:

ClinVar aggregate classification (germline): Conflicting classifications of pathogenicity. Review status: criteria provided, conflicting classifications (1 of 4 stars). 3 submissions from 3 submitters: Uncertain significance (2); Likely benign (1). Last evaluated 2026-09-13.

Conditions:
Dilated cardiomyopathy 1DD (CMD1DD). Identifiers: Orphanet 154, MedGen C2750995, MONDO:0013168, OMIM 613172.
Cardiovascular phenotype. Identifiers: MedGen CN230736.

Allele frequency attached by ClinVar (database versions not stated): gnomAD exomes below 0.00001.
gnomAD v4.1: 4 of 1,551,726 alleles (0.00026%); highest among the groups gnomAD compares: Admixed American, 0.0039%; no homozygotes.

Submissions (3):

Ambry Genetics
Classification: Uncertain significance for Cardiovascular phenotype. Last evaluated: 2026-09-13. Review status: criteria provided, single submitter. Criteria: Ambry Variant Classification Scheme 2023. Collection method: clinical testing. Allele origin: germline.
Comment: The p.D1064G variant (also known as c.3191A>G), located in coding exon 11 of the RBM20 gene, results from an A to G substitution at nucleotide position 3191. The aspartic acid at codon 1064 is replaced by glycine, an amino acid with similar properties. This amino acid position is conserved. In addition, the in silico prediction for this alteration is inconclusive. Based on the available evidence, the clinical significance of this variant remains unclear.

Labcorp Genetics (formerly Invitae), Labcorp
Classification: Likely benign for Dilated cardiomyopathy 1DD. Last evaluated: 2025-10-07. Review status: criteria provided, single submitter. Criteria: Invitae Variant Classification Sherloc (09022015). Collection method: clinical testing. Allele origin: germline.

Blueprint Genetics
Classification: Uncertain significance. Last evaluated: 2023-07-21. Review status: criteria provided, single submitter. Criteria: ACMG Guidelines, 2015. Collection method: clinical testing. Allele origin: germline.

NM_001134363.3(RBM20):c.3191A>G (p.Asp1064Gly)

Gene: RBM20 (RNA binding motif protein 20; plus strand). Cytogenetic location: 10q25.2.
Variant type: single nucleotide variant.
Coding change: c.3191A>G on transcript NM_001134363.3 (MANE Select); coding-DNA position 3191, A replaced by G.
Protein change: p.Asp1064Gly; replaces aspartic acid 1064 with glycine.
Molecular consequence: missense variant.
Genome position (GRCh38, 1-based): chr10:110,821,810, A>G. VCF-style: chr10-110821810-A-G. GRCh37 (hg19) VCF-style: chr10-112581568-A-G.
Other names: short protein forms D1064G.
Identifiers: ClinVar variation 2982316 (VCV002982316.5), dbSNP rs1360165424, ClinGen allele CA378381698.
Genomic context (GRCh38, chr10:110,821,810, plus strand): 5'-AGCAAATGTCTTCCCCTAAGCCAGCAGAGGAGAGGGCCCGGCAGCCAAGCCCATTTGTGG[A>G]TGATTGCAAGACCAGGGGGACCCCCGAAGATGGGGCTTGTGAAGGCAGCCCCCTGGAGGA-3'
Protein context (NP_001127835.2, residues 1054-1074): ERARQPSPFV[Asp1064Gly]DCKTRGTPED